The following is an entry in ClinVar:

ClinVar aggregate classification (germline): Likely benign (1 of 4 stars; one submission).

Conditions:
Hennekam lymphangiectasia-lymphedema syndrome 1 (HKLLS1). Also called: LYMPHATIC DYSPLASIA, GENERALIZED. Identifiers: Orphanet 2136, MedGen C4012050, MONDO:0009337, OMIM 235510.

Allele frequency attached by ClinVar (database versions not stated): 1000 Genomes Project 30x 0.00281; 1000 Genomes Project 0.00339; gnomAD 0.00341 and 0.00376; TOPMed 0.00397.

Submission:

Illumina Laboratory Services, Illumina
Classification: Likely benign for Hennekam lymphangiectasia-lymphedema syndrome 1. Last evaluated: 2018-01-13. Review status: criteria provided, single submitter. Criteria: ICSL Variant Classification Criteria 13 December 2019. Collection method: clinical testing. Allele origin: germline.
Comment: This variant was observed in the ICSL laboratory as part of a predisposition screen in an ostensibly healthy population. It had not been previously curated by ICSL or reported in the Human Gene Mutation Database (HGMD: prior to June 1st, 2018), and was therefore a candidate for classification through an automated scoring system. Utilizing variant allele frequency, disease prevalence and penetrance estimates, and inheritance mode, an automated score was calculated to assess if this variant is too frequent to cause the disease. Based on the score and internal cut-off values, a variant classified as likely benign is not then subjected to further curation. The score for this variant resulted in a classification of likely benign for this disease.

NM_133459.4(CCBE1):c.*2158C>T

Gene: CCBE1 (collagen and calcium binding EGF domains 1; minus strand). Cytogenetic location: 18q21.32.
Variant type: single nucleotide variant.
Coding change: c.*2158C>T on transcript NM_133459.4 (MANE Select); 2158 bases downstream of the stop codon, C replaced by T.
Molecular consequence: 3 prime UTR variant.
Genome position (GRCh38, 1-based): chr18:59,433,750, G>A on the plus strand (C>T on the coding strand, the complement: CCBE1 is on the minus strand). VCF-style: chr18-59433750-G-A. GRCh37 (hg19) VCF-style: chr18-57100982-G-A.
Other names: c.*2158C>T (LRG_1209t1).
Identifiers: ClinVar variation 327649 (VCV000327649.5), dbSNP rs376015917, ClinGen allele CA10641976.